The following is an entry in ClinVar:

ClinVar aggregate classification (germline): Uncertain significance (1 of 4 stars; one submission).

Allele frequency attached by ClinVar (database versions not stated): ExAC 0.00001; gnomAD 0.00002; gnomAD exomes 0.00002 and 0.00006; TOPMed 0.00002.
gnomAD v4.1: 96 of 1,613,344 alleles (0.006%); highest among the groups gnomAD compares: Non-Finnish European, 0.0078%; no homozygotes.

Submission:

Labcorp Genetics (formerly Invitae), Labcorp
Classification: Uncertain significance. Last evaluated: 2025-03-17. Review status: criteria provided, single submitter. Criteria: Invitae Variant Classification Sherloc (09022015). Collection method: clinical testing. Allele origin: germline.
Comment: This sequence change replaces serine, which is neutral and polar, with glycine, which is neutral and non-polar, at codon 791 of the CACNA2D4 protein (p.Ser791Gly). This variant is present in population databases (rs766520376, gnomAD 0.004%). This variant has not been reported in the literature in individuals affected with CACNA2D4-related conditions. ClinVar contains an entry for this variant (Variation ID: 1015327). An algorithm developed to predict the effect of missense changes on protein structure and function (PolyPhen-2) suggests that this variant is likely to be tolerated. In summary, the available evidence is currently insufficient to determine the role of this variant in disease. Therefore, it has been classified as a Variant of Uncertain Significance.

NM_172364.5(CACNA2D4):c.2371A>G (p.Ser791Gly)

Gene: CACNA2D4 (calcium voltage-gated channel auxiliary subunit alpha2delta 4; minus strand). Cytogenetic location: 12p13.33.
Variant type: single nucleotide variant.
Coding change: c.2371A>G on transcript NM_172364.5 (MANE Select); coding-DNA position 2371, A replaced by G.
Protein change: p.Ser791Gly; replaces serine 791 with glycine.
Molecular consequence: missense variant.
Genome position (GRCh38, 1-based): chr12:1,844,501, T>C on the plus strand (A>G on the coding strand, the complement: CACNA2D4 is on the minus strand). VCF-style: chr12-1844501-T-C. GRCh37 (hg19) VCF-style: chr12-1953667-T-C.
Other names: short protein forms S791G.
Identifiers: ClinVar variation 1015327 (VCV001015327.5), dbSNP rs766520376, ClinGen allele CA6386719.